The following is an entry in ClinVar:

NM_001378454.1(ALMS1):c.4888C>T (p.Gln1630Ter)

Gene: ALMS1 (ALMS1 centrosome and basal body associated protein; plus strand). Cytogenetic location: 2p13.1.
Variant type: single nucleotide variant.
Coding change: c.4888C>T on transcript NM_001378454.1 (MANE Select); coding-DNA position 4888, C replaced by T.
Protein change: p.Gln1630Ter; replaces glutamine 1630 with a stop codon.
Molecular consequence: nonsense.
Genome position (GRCh38, 1-based): chr2:73,451,415, C>T. VCF-style: chr2-73451415-C-T. GRCh37 (hg19) VCF-style: chr2-73678542-C-T.
Other names: c.4891C>T, p.Gln1631Ter (NM_015120.4); short protein forms Q1630*, Q1631*.
Identifiers: ClinVar variation 1301455 (VCV001301455.13), dbSNP rs974309886, ClinGen allele CA50396073.

ClinVar aggregate classification (germline): Conflicting classifications of pathogenicity. Review status: criteria provided, conflicting classifications (1 of 4 stars). 5 submissions from 5 submitters: Pathogenic (4); Likely benign (1). Last evaluated 2025-09-09.

Conditions:
Alstrom syndrome (ALMS). Identifiers: Orphanet 64, MedGen C0268425, MONDO:0008763, OMIM 203800.
Cardiovascular phenotype. Identifiers: MedGen CN230736.
ALMS1-related disorder. Also called: ALMS1-related condition.

Allele frequency attached by ClinVar (database versions not stated): gnomAD exomes below 0.00001; gnomAD 0.00001.
gnomAD v4.1: 2 of 1,613,962 alleles (0.00012%); highest among the groups gnomAD compares: African/African-American, 0.0013%; no homozygotes.

Submissions (5):

PreventionGenetics, part of Exact Sciences
Classification: Likely benign for ALMS1-related condition. Last evaluated: 2025-09-09. Review status: criteria provided, single submitter. Criteria: ACMG Guidelines, 2015. Collection method: clinical testing. Allele origin: germline.
Comment: This variant is classified as likely benign based on ACMG/AMP sequence variant interpretation guidelines (Richards et al. 2015 PMID: 25741868, with internal and published modifications).

Labcorp Genetics (formerly Invitae), Labcorp
Classification: Pathogenic for Alstrom syndrome. Last evaluated: 2023-12-21. Review status: criteria provided, single submitter. Criteria: Invitae Variant Classification Sherloc (09022015). Collection method: clinical testing. Allele origin: germline.
Comment: This sequence change creates a premature translational stop signal (p.Gln1631*) in the ALMS1 gene. It is expected to result in an absent or disrupted protein product. Loss-of-function variants in ALMS1 are known to be pathogenic (PMID: 17594715). This variant is not present in population databases (gnomAD no frequency). This premature translational stop signal has been observed in individual(s) with Alstrom syndrome (PMID: 25846608, 26992781). ClinVar contains an entry for this variant (Variation ID: 1301455). For these reasons, this variant has been classified as Pathogenic.

Blueprint Genetics
Classification: Pathogenic for ALMS1-related disorders. Last evaluated: 2023-09-19. Review status: criteria provided, single submitter. Criteria: ACMG Guidelines, 2015. Collection method: clinical testing. Allele origin: germline. Affected: yes. Observed: 2 variant alleles.

Ambry Genetics
Classification: Pathogenic for Cardiovascular phenotype. Last evaluated: 2023-07-10. Review status: criteria provided, single submitter. Criteria: Ambry Variant Classification Scheme 2023. Collection method: clinical testing. Allele origin: germline.
Comment: The p.Q1631* pathogenic mutation (also known as c.4891C>T), located in coding exon 8 of the ALMS1 gene, results from a C to T substitution at nucleotide position 4891. This changes the amino acid from a glutamine to a stop codon within coding exon 8. This alteration has been reported in Alstrom syndrome and cone rod dystrophy cohorts (Marshall JD et al. Hum Mutat, 2015 Jul;36:660-8; Huang L et al. Exp Eye Res, 2016 May;146:252-258). This variant is considered to be rare based on population cohorts in the Genome Aggregation Database (gnomAD). In addition to the clinical data presented in the literature, this alteration is expected to result in loss of function by premature protein truncation or nonsense-mediated mRNA decay. As such, this alteration is interpreted as a disease-causing mutation.

GeneDx
Classification: Pathogenic. Last evaluated: 2021-10-26. Review status: criteria provided, single submitter. Criteria: GeneDx Variant Classification Process June 2021. Collection method: clinical testing. Allele origin: germline. Affected: yes.
Comment: Nonsense variant predicted to result in protein truncation or nonsense mediated decay in a gene for which loss-of-function is a known mechanism of disease; Not observed in large population cohorts (Lek et al., 2016); Previously reported in two individuals with Alstrom syndrome in published literature, although additional phenotypic and segregation information was not provided (Marshall et al., 2015); This variant is associated with the following publications: (PMID: 26992781, 25846608, 26010121)

Literature cited by the submitters: PubMed 17594715 (cited by Labcorp Genetics (formerly Invitae), Labcorp); PubMed 25846608 (cited by Labcorp Genetics (formerly Invitae), Labcorp and Ambry Genetics); PubMed 26992781 (cited by Labcorp Genetics (formerly Invitae), Labcorp and Ambry Genetics).